The following is an entry in ClinVar:

NM_001394062.1(MACF1):c.11120C>T (p.Ala3707Val)

Gene: MACF1 (microtubule actin crosslinking factor 1; plus strand). Cytogenetic location: 1p34.3.
Variant type: single nucleotide variant.
Coding change: c.11120C>T on transcript NM_001394062.1 (MANE Select); coding-DNA position 11120, C replaced by T.
Protein change: p.Ala3707Val; replaces alanine 3707 with valine.
Molecular consequence: missense variant.
Genome position (GRCh38, 1-based): chr1:39,350,939, C>T. VCF-style: chr1-39350939-C-T. GRCh37 (hg19) VCF-style: chr1-39816611-C-T.
Other names: c.4934C>T, p.Ala1645Val (NM_012090.5); short protein forms A1645V, A3707V.
Identifiers: ClinVar variation 5016781 (VCV005016781.1).

ClinVar aggregate classification (germline): Uncertain significance (1 of 4 stars; one submission).

gnomAD v4.1: 23 of 1,613,932 alleles (0.0014%); highest among the groups gnomAD compares: African/African-American, 0.008%; no homozygotes.

Submission:

GeneDx
Classification: Uncertain significance. Last evaluated: 2026-04-07. Review status: criteria provided, single submitter. Criteria: GeneDx Variant Classification Process June 2021. Collection method: clinical testing. Allele origin: germline.
Comment: In silico analysis suggests that this missense variant does not alter protein structure/function; Has not been previously published as pathogenic or benign to our knowledge